The following is an entry in ClinVar:

ClinVar aggregate classification (germline): Uncertain significance (1 of 4 stars; one submission).

Submission:

Labcorp Genetics (formerly Invitae), Labcorp
Classification: Uncertain significance. Last evaluated: 2025-06-12. Review status: criteria provided, single submitter. Criteria: Invitae Variant Classification Sherloc (09022015). Collection method: clinical testing. Allele origin: germline.
Comment: This sequence change replaces leucine, which is neutral and non-polar, with arginine, which is basic and polar, at codon 571 of the INTU protein (p.Leu571Arg). This variant is not present in population databases (gnomAD no frequency). This variant has not been reported in the literature in individuals affected with INTU-related conditions. ClinVar contains an entry for this variant (Variation ID: 3720058). Invitae Evidence Modeling of protein sequence and biophysical properties (such as structural, functional, and spatial information, amino acid conservation, physicochemical variation, residue mobility, and thermodynamic stability) indicates that this missense variant is not expected to disrupt INTU protein function with a negative predictive value of 80%. In summary, the available evidence is currently insufficient to determine the role of this variant in disease. Therefore, it has been classified as a Variant of Uncertain Significance.

NM_015693.4(INTU):c.1712T>G (p.Leu571Arg)

Gene: INTU (inturned planar cell polarity protein; plus strand). Cytogenetic location: 4q28.1.
Variant type: single nucleotide variant.
Coding change: c.1712T>G on transcript NM_015693.4 (MANE Select); coding-DNA position 1712, T replaced by G.
Protein change: p.Leu571Arg; replaces leucine 571 with arginine.
Molecular consequence: missense variant.
Genome position (GRCh38, 1-based): chr4:127,705,736, T>G. VCF-style: chr4-127705736-T-G. GRCh37 (hg19) VCF-style: chr4-128626891-T-G.
Other names: short protein forms L571R.
Identifiers: ClinVar variation 3720058 (VCV003720058.2).
Genomic context (GRCh38, chr4:127,705,736, plus strand): 5'-CAGCAAAACAAAGAATTGGTCAGTTGATCATATGGAGAGAAGTGTTTCCTCAGCATCACC[T>G]CCGACCTTTGGCAGACTCAAGCACTGAAGTCTTTCCGGAACCTGAAGGAAGATATTTTTT-3'
Protein context (NP_056508.2, residues 561-581): IWREVFPQHH[Leu571Arg]RPLADSSTEV